The following is an entry in ClinVar:

ClinVar aggregate classification (germline): Likely benign. Review status: criteria provided, multiple submitters, no conflicts (2 of 4 stars). 5 submissions from 5 submitters: Likely benign (5). Last evaluated 2026-09-18.

Conditions:
Hereditary cancer-predisposing syndrome. Also called: Hereditary Cancer Syndrome; Tumor predisposition; Hereditary neoplastic syndrome; Neoplastic Syndromes, Hereditary. Identifiers: Orphanet 140162, MedGen C0027672, MeSH D009386, MONDO:0015356.
Gorlin syndrome. Also called: Nevoid Basal Cell Carcinoma Syndrome; Basal cell nevus syndrome. Identifiers: Orphanet 377, MedGen C0004779, MONDO:0007187.
PTCH1-related disorder. Also called: PTCH1-related disorders; PTCH1-related condition.

Allele frequency attached by ClinVar (database versions not stated): TOPMed 0.00002; ExAC 0.00003; ESP Exome Variant Server 0.00008.
gnomAD v4.1: 33 of 1,614,106 alleles (0.002%); highest among the groups gnomAD compares: Non-Finnish European, 0.00025%; no homozygotes.

Submissions (5):

PreventionGenetics, part of Exact Sciences
Classification: Likely benign for PTCH1-related condition. Last evaluated: 2026-09-18. Review status: criteria provided, single submitter. Criteria: ACMG Guidelines, 2015. Collection method: clinical testing. Allele origin: germline.
Comment: This variant is classified as likely benign based on ACMG/AMP sequence variant interpretation guidelines (Richards et al. 2015 PMID: 25741868, with internal and published modifications).

Labcorp Genetics (formerly Invitae), Labcorp
Classification: Likely benign for Gorlin syndrome. Last evaluated: 2026-01-28. Review status: criteria provided, single submitter. Criteria: Invitae Variant Classification Sherloc (09022015). Collection method: clinical testing. Allele origin: germline.

Blueprint Genetics
Classification: Likely benign. Last evaluated: 2023-05-29. Review status: criteria provided, single submitter. Criteria: ACMG Guidelines, 2015. Collection method: clinical testing. Allele origin: germline.

Sema4
Classification: Likely benign for Hereditary cancer-predisposing syndrome. Last evaluated: 2022-01-14. Review status: criteria provided, single submitter. Criteria: Sema4 Curation Guidelines. Collection method: curation. Allele origin: germline.

Ambry Genetics
Classification: Likely benign for Hereditary cancer-predisposing syndrome. Last evaluated: 2017-07-19. Review status: criteria provided, single submitter. Criteria: Ambry Variant Classification Scheme 2023. Collection method: clinical testing. Allele origin: germline.

NM_000264.5(PTCH1):c.4236C>G (p.Pro1412=)

Gene: PTCH1 (patched 1; minus strand). Cytogenetic location: 9q22.32.
Variant type: single nucleotide variant.
Coding change: c.4236C>G on transcript NM_000264.5 (MANE Select); coding-DNA position 4236, C replaced by G.
Protein change: p.Pro1412=; no amino-acid change (proline 1412 retained).
Molecular consequence: synonymous variant. On other transcripts: non-coding transcript variant (1).
Genome position (GRCh38, 1-based): chr9:95,447,020, G>C on the plus strand (C>G on the coding strand, the complement: PTCH1 is on the minus strand). VCF-style: chr9-95447020-G-C. GRCh37 (hg19) VCF-style: chr9-98209302-G-C.
Other names: c.4038C>G, p.Pro1346= (NM_001083602.3); c.4233C>G, p.Pro1411= (NM_001083603.3); c.3783C>G, p.Pro1261= (NM_001083604.3, NM_001083605.3, NM_001083606.3 and 1 more transcripts); c.4080C>G, p.Pro1360= (NM_001354918.2).
Identifiers: ClinVar variation 415488 (VCV000415488.19), dbSNP rs369083374, ClinGen allele CA5137915.